The following is an entry in ClinVar:

ClinVar aggregate classification (germline): Uncertain significance. Review status: criteria provided, multiple submitters, no conflicts (2 of 4 stars). 2 submissions from 2 submitters: Uncertain significance (2). Last evaluated 2024-02-24.

Allele frequency attached by ClinVar (database versions not stated): gnomAD exomes below 0.00001.
gnomAD v4.1: 5 of 1,603,782 alleles (0.00031%); highest among the groups gnomAD compares: Non-Finnish European, 0.00034%; no homozygotes.

Submissions (2):

Labcorp Genetics (formerly Invitae), Labcorp
Classification: Uncertain significance. Last evaluated: 2024-02-24. Review status: criteria provided, single submitter. Criteria: Invitae Variant Classification Sherloc (09022015). Collection method: clinical testing. Allele origin: germline.
Comment: This sequence change replaces glycine with aspartic acid at codon 505 of the CEP250 protein (p.Gly505Asp). The glycine residue is moderately conserved and there is a moderate physicochemical difference between glycine and aspartic acid. This variant is not present in population databases (gnomAD no frequency). This variant has not been reported in the literature in individuals affected with CEP250-related conditions. ClinVar contains an entry for this variant (Variation ID: 1450013). An algorithm developed to predict the effect of missense changes on protein structure and function (PolyPhen-2) suggests that this variant is likely to be disruptive. In summary, the available evidence is currently insufficient to determine the role of this variant in disease. Therefore, it has been classified as a Variant of Uncertain Significance.

Blueprint Genetics
Classification: Uncertain significance. Last evaluated: 2021-06-14. Review status: criteria provided, single submitter. Criteria: ACMG Guidelines, 2015. Collection method: clinical testing. Allele origin: germline.

NM_007186.6(CEP250):c.1514G>A (p.Gly505Asp)

Genes: CEP250 (centrosomal protein 250; plus strand), CEP250-AS1 (CEP250 antisense RNA 1; minus strand). Cytogenetic location: 20q11.22.
Variant type: single nucleotide variant.
Coding change: c.1514G>A on transcript NM_007186.6 (MANE Select); coding-DNA position 1514, G replaced by A.
Protein change: p.Gly505Asp; replaces glycine 505 with aspartic acid.
Molecular consequence: missense variant. On other transcripts: 5 prime UTR variant (1).
Genome position (GRCh38, 1-based): chr20:35,473,995, G>A. VCF-style: chr20-35473995-G-A. GRCh37 (hg19) VCF-style: chr20-34061820-G-A.
Other names: c.-386G>A (NM_001318219.1); short protein forms G505D.
Identifiers: ClinVar variation 1450013 (VCV001450013.7), dbSNP rs2146801367, ClinGen allele CA408762992.